The following is an entry in ClinVar:

NM_001034853.2(RPGR):c.2071G>T (p.Glu691Ter)

Gene: RPGR (retinitis pigmentosa GTPase regulator; minus strand). Cytogenetic location: Xp11.4.
Variant type: single nucleotide variant.
Coding change: c.2071G>T on transcript NM_001034853.2 (MANE Select); coding-DNA position 2071, G replaced by T.
Protein change: p.Glu691Ter; replaces glutamic acid 691 with a stop codon.
Molecular consequence: nonsense. On other transcripts: intron variant (8).
Genome position (GRCh38, 1-based): chrX:38,286,928, C>A on the plus strand (G>T on the coding strand, the complement: RPGR is on the minus strand). VCF-style: chrX-38286928-C-A. GRCh37 (hg19) VCF-style: chrX-38146181-C-A.
Other names: c.1569+4031G>T (NM_001367249.1, NM_001367250.1); c.1902+166G>T (NM_001367245.1); c.1386+4031G>T (NM_001367251.1); c.1719+166G>T (NM_001367246.1); c.1572+4031G>T (NM_001367247.1); c.1905+166G>T (NM_000328.3); c.1602+4031G>T (NM_001367248.1); short protein forms E691*.
Identifiers: ClinVar variation 1065779 (VCV001065779.6), dbSNP rs2147199844, ClinGen allele CA412731522.

ClinVar aggregate classification (germline): Pathogenic/Likely pathogenic. Review status: criteria provided, multiple submitters, no conflicts (2 of 4 stars). 2 submissions from 2 submitters: Pathogenic (1); Likely pathogenic (1). Last evaluated 2022-05-31.

Conditions:
Primary ciliary dyskinesia. Also called: Ciliary dyskinesia. Identifiers: Orphanet 244, MedGen C0008780, MONDO:0016575, HP:0012265.
Retinitis pigmentosa 3. Also called: CHOROIDORETINAL DEGENERATION WITH RETINAL REFLEX IN HETEROZYGOUS WOMEN. Identifiers: Orphanet 791, MedGen C1845667, MONDO:0010227, OMIM 300029.

Submissions (2):

Labcorp Genetics (formerly Invitae), Labcorp
Classification: Pathogenic for Primary ciliary dyskinesia. Last evaluated: 2022-05-31. Review status: criteria provided, single submitter. Criteria: Invitae Variant Classification Sherloc (09022015). Collection method: clinical testing. Allele origin: germline.
Comment: For these reasons, this variant has been classified as Pathogenic. This variant disrupts a region of the RPGR (ORF15) protein in which other variant(s) (p.Leu1130Lysfs*13) have been determined to be pathogenic (PMID: 22264887; Invitae). This suggests that this is a clinically significant region of the protein, and that variants that disrupt it are likely to be disease-causing. ClinVar contains an entry for this variant (Variation ID: 1065779). This variant has not been reported in the literature in individuals affected with RPGR (ORF15)-related conditions. This variant is not present in population databases (gnomAD no frequency). This sequence change creates a premature translational stop signal (p.Glu691*) in the RPGR (ORF15) gene. While this is not anticipated to result in nonsense mediated decay, it is expected to disrupt the last 462 amino acid(s) of the RPGR (ORF15) protein.

Ocular Genomics Institute, Massachusetts Eye and Ear
Classification: Likely pathogenic for Retinitis pigmentosa 3. Last evaluated: 2021-04-08. Review status: criteria provided, single submitter. Criteria: ACMG Guidelines, 2015. Collection method: research. Allele origin: germline. Affected: yes.
Comment: Through a review of available evidence we were able to apply the following criteria: PVS1, PM2. Based on this evidence we have classified this variant as Likely Pathogenic.

Literature cited by the submitters: PubMed 22264887 (cited by Labcorp Genetics (formerly Invitae), Labcorp).